The following is an entry in ClinVar:

NM_018896.5(CACNA1G):c.4778A>G (p.Tyr1593Cys)

Gene: CACNA1G (calcium voltage-gated channel subunit alpha1 G; plus strand). Cytogenetic location: 17q21.33.
Variant type: single nucleotide variant.
Coding change: c.4778A>G on transcript NM_018896.5 (MANE Select); coding-DNA position 4778, A replaced by G.
Protein change: p.Tyr1593Cys; replaces tyrosine 1593 with cysteine.
Molecular consequence: missense variant. On other transcripts: non-coding transcript variant (5).
Genome position (GRCh38, 1-based): chr17:50,615,379, A>G. VCF-style: chr17-50615379-A-G. GRCh37 (hg19) VCF-style: chr17-48692740-A-G.
Other names: c.4724A>G, p.Tyr1575Cys (NM_001256324.2, NM_001256328.2, NM_198386.3); c.4799A>G, p.Tyr1600Cys (NM_001256325.2); c.4643A>G, p.Tyr1548Cys (NM_001256326.2, NM_001256330.2); c.4778A>G, p.Tyr1593Cys (NM_001256327.2, NM_001256333.2, NM_198384.3 and 1 more transcripts); c.4676A>G, p.Tyr1559Cys (NM_001256329.2, NM_198376.3, NM_198379.3 and 2 more transcripts); c.4622A>G, p.Tyr1541Cys (NM_001256331.2); c.4607A>G, p.Tyr1536Cys (NM_001256332.2); c.4745A>G, p.Tyr1582Cys (NM_001256334.2, NM_198377.3, NM_198378.3 and 1 more transcripts); and 5 more; short protein forms Y1593C, Y1555C, Y1557C, Y1536C, Y1559C, Y1575C, Y1600C, Y1548C.
Identifiers: ClinVar variation 382272 (VCV000382272.20), dbSNP rs1057521306, ClinGen allele CA16607715.

ClinVar aggregate classification (germline): Uncertain significance. Review status: criteria provided, multiple submitters, no conflicts (2 of 4 stars). 2 submissions from 2 submitters: Uncertain significance (2). Last evaluated 2024-06-01.

Allele frequency attached by ClinVar (database versions not stated): gnomAD exomes below 0.00001 and 0.00001; TOPMed below 0.00001.
gnomAD v4.1: 16 of 1,609,356 alleles (0.00099%); highest among the groups gnomAD compares: Non-Finnish European, 0.0014%; no homozygotes.

Submissions (2):

CeGaT Center for Human Genetics Tuebingen
Classification: Uncertain significance. Last evaluated: 2024-06-01. Review status: criteria provided, single submitter. Criteria: CeGaT Center For Human Genetics Tuebingen Variant Classification Criteria Version 2. Collection method: clinical testing. Allele origin: germline. Affected: yes. Observed: 1 variant allele.
Comment: CACNA1G: PM2, PP2, PP3

GeneDx
Classification: Uncertain significance. Last evaluated: 2015-12-22. Review status: criteria provided, single submitter. Criteria: GeneDx Variant Classification (06012015). Collection method: clinical testing. Allele origin: germline. Affected: yes.
Comment: The Y1593C variant in the CACNA1G gene has not been reported previously as a pathogenic variant, nor as a benign variant, to our knowledge. The Y1593C variant was not observed in approximately 6,200 individuals of European and African American ancestry in the NHLBI Exome Sequencing Project, indicating it is not a common benign variant in these populations. The Y1593C variant is a non-conservative amino acid substitution, which is likely to impact secondary protein structure as these residues differ in polarity, charge, size and/or other properties. This substitution occurs at a position that is conserved across species. In silico analysis predicts this variant is probably damaging to the protein structure/function. We interpret Y1593C as a variant of uncertain significance.